The following is an entry in ClinVar:

ClinVar aggregate classification (germline): Conflicting classifications of pathogenicity. Review status: criteria provided, conflicting classifications (1 of 4 stars). 2 submissions from 2 submitters: Uncertain significance (1); Likely benign (1). Last evaluated 2022-09-13.

Conditions:
Congenital neutropenia-myelofibrosis-nephromegaly syndrome. Also called: Severe congenital neutropenia 5, autosomal recessive. Identifiers: Orphanet 369852, MedGen C3809031, MONDO:0014118, OMIM 615285.

Allele frequency attached by ClinVar (database versions not stated): TOPMed below 0.00001; gnomAD 0.00003; gnomAD exomes 0.00006; ExAC 0.00016; 1000 Genomes Project 30x 0.00031; 1000 Genomes Project 0.00040.
gnomAD v4.1: 91 of 1,614,032 alleles (0.0056%); highest among the groups gnomAD compares: South Asian, 0.097%; 1 homozygote.

Submissions (2):

Labcorp Genetics (formerly Invitae), Labcorp
Classification: Uncertain significance for Congenital neutropenia-myelofibrosis-nephromegaly syndrome. Last evaluated: 2022-09-13. Review status: criteria provided, single submitter. Criteria: Invitae Variant Classification Sherloc (09022015). Collection method: clinical testing. Allele origin: germline.
Comment: This sequence change replaces alanine, which is neutral and non-polar, with valine, which is neutral and non-polar, at codon 385 of the VPS45 protein (p.Ala385Val). This variant is present in population databases (rs587693217, gnomAD 0.09%). This variant has not been reported in the literature in individuals affected with VPS45-related conditions. Advanced modeling of protein sequence and biophysical properties (such as structural, functional, and spatial information, amino acid conservation, physicochemical variation, residue mobility, and thermodynamic stability) performed at Invitae indicates that this missense variant is not expected to disrupt VPS45 protein function. In summary, the available evidence is currently insufficient to determine the role of this variant in disease. Therefore, it has been classified as a Variant of Uncertain Significance.

Blueprint Genetics
Classification: Likely benign. Last evaluated: 2021-12-31. Review status: criteria provided, single submitter. Criteria: ACMG Guidelines, 2015. Collection method: clinical testing. Allele origin: germline.

NM_007259.5(VPS45):c.1154C>T (p.Ala385Val)

Gene: VPS45 (vacuolar protein sorting 45 homolog; plus strand). Cytogenetic location: 1q21.2.
Variant type: single nucleotide variant.
Coding change: c.1154C>T on transcript NM_007259.5 (MANE Select); coding-DNA position 1154, C replaced by T.
Protein change: p.Ala385Val; replaces alanine 385 with valine.
Molecular consequence: missense variant. On other transcripts: non-coding transcript variant (1).
Genome position (GRCh38, 1-based): chr1:150,091,986, C>T. VCF-style: chr1-150091986-C-T. GRCh37 (hg19) VCF-style: chr1-150064080-C-T.
Other names: c.839C>T, p.Ala280Val (NM_001279353.2); c.1046C>T, p.Ala349Val (NM_001279354.2); short protein forms A280V, A349V, A385V.
Identifiers: ClinVar variation 2167032 (VCV002167032.2), dbSNP rs587693217, ClinGen allele CA1073323.